The following is an entry in ClinVar:

ClinVar aggregate classification (germline): Likely benign. Review status: criteria provided, multiple submitters, no conflicts (2 of 4 stars). 2 submissions from 2 submitters: Likely benign (2). Last evaluated 2025-08-30.

Conditions:
ATP8A2-related disorder. Also called: ATP8A2-related condition.

Allele frequency attached by ClinVar (database versions not stated): 1000 Genomes Project 0.00040; 1000 Genomes Project 30x 0.00047; ESP Exome Variant Server 0.00113.
gnomAD v4.1: 264 of 1,613,956 alleles (0.016%); highest among the groups gnomAD compares: African/African-American, 0.32%; no homozygotes.

Submissions (2):

Labcorp Genetics (formerly Invitae), Labcorp
Classification: Likely benign. Last evaluated: 2025-08-30. Review status: criteria provided, single submitter. Criteria: Invitae Variant Classification Sherloc (09022015). Collection method: clinical testing. Allele origin: germline.

PreventionGenetics, part of Exact Sciences
Classification: Likely benign for ATP8A2-related condition. Last evaluated: 2024-11-27. Review status: criteria provided, single submitter. Criteria: ACMG Guidelines, 2015. Collection method: clinical testing. Allele origin: germline.
Comment: This variant is classified as likely benign based on ACMG/AMP sequence variant interpretation guidelines (Richards et al. 2015 PMID: 25741868, with internal and published modifications).

NM_016529.6(ATP8A2):c.77G>A (p.Gly26Glu)

Gene: ATP8A2 (ATPase phospholipid transporting 8A2). Cytogenetic location: 13q12.13.
Variant type: single nucleotide variant.
Coding change: c.77G>A on transcript NM_016529.6 (MANE Select); coding-DNA position 77, G replaced by A.
Protein change: p.Gly26Glu; replaces glycine 26 with glutamic acid.
Molecular consequence: missense variant. On other transcripts: 5 prime UTR variant (1).
Genome position (GRCh38, 1-based): chr13:25,468,977, G>A. VCF-style: chr13-25468977-G-A. GRCh37 (hg19) VCF-style: chr13-26043115-G-A.
Other names: c.77G>A (NM_016529.5); c.-44G>A (NM_001313741.1); c.77G>A, p.Gly26Glu (NM_001411005.1, NM_001411006.1); short protein forms G26E.
Identifiers: ClinVar variation 2064051 (VCV002064051.5), dbSNP rs201409188, ClinGen allele CA6922457.
Genomic context (GRCh38, chr13:25,468,977, plus strand): 5'-CTCCCGCCTGGCGGTTGACTTCTTTGTGTCGTATTCTCTGCCTGCGCCCTGTCTCTGCAG[G>A]ACCTGTTCGTTCTTCTTTGGGCTATAAGAAGGCAGAGGATGAGATGTCCCGGGCCACGTC-3'
Protein context (NP_057613.4, residues 16-36): PRRSRIRSSV[Gly26Glu]PVRSSLGYKK